The following is an entry in ClinVar:

ClinVar aggregate classification (germline): Uncertain significance (1 of 4 stars; one submission).

Conditions:
Primary open angle glaucoma (POAG). Also called: OPTN-related open angle glaucoma. Identifiers: MedGen C0339573, MONDO:0100553, OMIM 137760.
Amyotrophic lateral sclerosis type 12 (ALS12). Also called: AMYOTROPHIC LATERAL SCLEROSIS 12 WITH OR WITHOUT FRONTOTEMPORAL DEMENTIA. Identifiers: Orphanet 803, MedGen C3150692, MONDO:0013264, OMIM 613435.
Glaucoma 1, open angle, E. Identifiers: MedGen C1842026, MONDO:0007665.

gnomAD v4.1: 3 of 1,613,934 alleles (0.00019%); highest among the groups gnomAD compares: Non-Finnish European, 0.00025%; no homozygotes.

Submissions (2):

Labcorp Genetics (formerly Invitae), Labcorp
Classification: Uncertain significance for Primary open angle glaucoma; Glaucoma 1, open angle, E; Amyotrophic lateral sclerosis type 12. Last evaluated: 2025-07-16. Review status: criteria provided, single submitter. Criteria: Invitae Variant Classification Sherloc (09022015). Collection method: clinical testing. Allele origin: germline.
Comment: This sequence change falls in intron 4 of the OPTN gene. It does not directly change the encoded amino acid sequence of the OPTN protein. It affects a nucleotide within the consensus splice site. This variant is present in population databases (rs777454755, gnomAD 0.007%). This variant has not been reported in the literature in individuals affected with OPTN-related conditions. Variants that disrupt the consensus splice site are a relatively common cause of aberrant splicing (PMID: 17576681, 9536098). Algorithms developed to predict the effect of sequence changes on RNA splicing suggest that this variant may disrupt the consensus splice site. In summary, the available evidence is currently insufficient to determine the role of this variant in disease. Therefore, it has been classified as a Variant of Uncertain Significance.

Dr. Peter K. Rogan Lab, Western University
No classification provided (evidence only). Condition: Ovarian serous cystadenocarcinoma. Review status: no classification provided. Collection method: in vitro. Allele origin: not applicable. Functional consequence: retained intron. Not counted in ClinVar's aggregate classification.

Literature cited by the submitters: PubMed 17576681 (cited by Labcorp Genetics (formerly Invitae), Labcorp); PubMed 9536098 (cited by Labcorp Genetics (formerly Invitae), Labcorp).

NM_001008212.2(OPTN):c.552+5G>C

Gene: OPTN (optineurin; plus strand). Cytogenetic location: 10p13.
Variant type: single nucleotide variant.
Coding change: c.552+5G>C on transcript NM_001008212.2 (MANE Select); 5 bases into the intron after coding-DNA position 552, G replaced by C.
Molecular consequence: intron variant.
Genome position (GRCh38, 1-based): chr10:13,112,640, G>C. VCF-style: chr10-13112640-G-C. GRCh37 (hg19) VCF-style: chr10-13154640-G-C.
Other names: NC_000010.10:g.13154640G>C; c.552+5G>C (NM_001008211.1, NM_001008213.1, NM_021980.4).
Identifiers: ClinVar variation 4361243 (VCV004361243.2).